The following is an entry in ClinVar:

ClinVar aggregate classification (germline): Uncertain significance (1 of 4 stars; one submission).

Conditions:
Inborn genetic diseases. Identifiers: MedGen C0950123, MeSH D030342.

gnomAD v4.1: 3 of 1,589,992 alleles (0.00019%); highest among the groups gnomAD compares: Non-Finnish European, 0.00026%; no homozygotes.

Submission:

Ambry Genetics
Classification: Uncertain significance for Inborn genetic diseases. Last evaluated: 2025-02-24. Review status: criteria provided, single submitter. Criteria: Ambry Variant Classification Scheme 2023. Collection method: clinical testing. Allele origin: germline.
Comment: The p.N933I variant (also known as c.2798A>T), located in coding exon 24 of the ANKRD26 gene, results from an A to T substitution at nucleotide position 2798. The asparagine at codon 933 is replaced by isoleucine, an amino acid with dissimilar properties. This amino acid position is conserved. In addition, this alteration is predicted to be tolerated by in silico analysis. Based on the available evidence, the clinical significance of this variant remains unclear.

NM_014915.3(ANKRD26):c.2798A>T (p.Asn933Ile)

Gene: ANKRD26 (ankyrin repeat domain containing 26; minus strand). Cytogenetic location: 10p12.1.
Variant type: single nucleotide variant.
Coding change: c.2798A>T on transcript NM_014915.3 (MANE Select); coding-DNA position 2798, A replaced by T.
Protein change: p.Asn933Ile; replaces asparagine 933 with isoleucine.
Molecular consequence: missense variant.
Genome position (GRCh38, 1-based): chr10:27,035,652, T>A on the plus strand (A>T on the coding strand, the complement: ANKRD26 is on the minus strand). VCF-style: chr10-27035652-T-A. GRCh37 (hg19) VCF-style: chr10-27324581-T-A.
Other names: c.2795A>T, p.Asn932Ile (NM_001256053.2); short protein forms N932I, N933I.
Identifiers: ClinVar variation 3871689 (VCV003871689.1).
Genomic context (GRCh38, chr10:27,035,652, plus strand): 5'-TTCTTTTCTTTTACAATTTTAAGGTCCTCAAAACATTTCTTTTCTTTTTCCTGGTTTTGA[T>A]TTTTTATTGTGTCTATTTCTAGTCTTAGCATAGCAATTTCTTCCTGCAACATGCTATTTT-3'
Protein context (NP_055730.2, residues 923-943): MLRLEIDTIK[Asn933Ile]QNQEKEKKCF